The following is an entry in ClinVar:

ClinVar aggregate classification (germline): Pathogenic. Review status: criteria provided, multiple submitters, no conflicts (2 of 4 stars). 8 submissions from 8 submitters: Pathogenic (7). 1 of the submissions does not count toward it. Last evaluated 2026-01-18.

Conditions:
Miyoshi muscular dystrophy 1 (MMD1). Identifiers: Orphanet 45448, MedGen C4551973, MONDO:0024545, OMIM 254130.
Autosomal recessive limb-girdle muscular dystrophy type 2B (LGMDR2). Also called: Limb-girdle muscular dystrophy, type 2B; MUSCULAR DYSTROPHY, LIMB-GIRDLE, TYPE 3; Limb-Girdle Muscular Dystrophy Type 2B (LGMD2B); MUSCULAR DYSTROPHY, LIMB-GIRDLE, AUTOSOMAL RECESSIVE 2. Identifiers: Orphanet 268, MedGen C1850889, MONDO:0009676, OMIM 253601.
Distal myopathy with anterior tibial onset. Identifiers: Orphanet 178400, MedGen C1847532, MONDO:0011721, OMIM 606768.
Neuromuscular disease caused by qualitative or quantitative defects of dysferlin. Also called: Dysferlinopathy; Qualitative or quantitative defects of dysferlin. Identifiers: Orphanet 207073, MedGen C2931687, MONDO:0016145.

Submissions (8):

Labcorp Genetics (formerly Invitae), Labcorp
Classification: Pathogenic for Neuromuscular disease caused by qualitative or quantitative defects of dysferlin. Last evaluated: 2026-01-18. Review status: criteria provided, single submitter. Criteria: Invitae Variant Classification Sherloc (09022015). Collection method: clinical testing. Allele origin: germline.
Comment: This sequence change creates a premature translational stop signal (p.Glu1624Aspfs*10) in the DYSF gene. It is expected to result in an absent or disrupted protein product. Loss-of-function variants in DYSF are known to be pathogenic (PMID: 17698709, 20301480). Information on the frequency of this variant in the gnomAD database is not available, as this variant may be reported differently in the database. This premature translational stop signal has been observed in individuals with DYSF-related disorders (PMID: 9731527, 10825360, 18853459). It is commonly reported in individuals of Jewish ancestry (PMID: 9731527, 10825360, 18853459). This variant is also known as 1624delG. For these reasons, this variant has been classified as Pathogenic.

Natera, Inc.
Classification: Pathogenic for Limb-girdle muscular dystrophy type 2B. Last evaluated: 2025-10-18. Review status: criteria provided, single submitter. Criteria: Natera Variant Classification Schema (03/2026). Collection method: clinical testing. Allele origin: germline.
Comment: The c.4872_4876delGCCCGinsCCCC variant in DYSF is a frameshift variant predicted to shift the reading frame beginning at codon 1624 and leads to a stop codon 10 codons downstream. This variant is expected to result in nonsense mediated decay, truncation, or a dysfunctional protein product. This variant is rare in the general population with a frequency below the threshold expected for the associated phenotype(s). This variant has been observed in one or more individuals affected with the associated recessive disease, as either homozygous or compound heterozygous with a second variant (PMID: 10825360). Additionally, this variant has been observed to segregate in affected family members (PMID: 10825360). Given the available evidence, this variant is classified as Pathogenic.

Women's Health and Genetics/Laboratory Corporation of America, LabCorp
Classification: Pathogenic for Autosomal recessive limb-girdle muscular dystrophy type 2B. Last evaluated: 2025-04-23. Review status: criteria provided, single submitter. Criteria: LabCorp Variant Classification Summary - May 2015. Collection method: clinical testing. Allele origin: germline.
Comment: Variant summary: DYSF c.4872_4876delinsCCCC (p.Glu1624AspfsX10) results in a premature termination codon, predicted to cause a truncation of the encoded protein or absence of the protein due to nonsense mediated decay, which are commonly known mechanisms for disease. The variant allele was found at a frequency of 4.3e-06 in 1613902 control chromosomes. c.4872_4876delinsCCCC has been observed in multiple individuals affected with Autosomal recessive limb-girdle muscular dystrophy type 2B (example, Bashir_1998, Cagliani_2005) and has been proposed as a possible founder variant among individuals of Libyan-Jewish descent. These data indicate that the variant is very likely to be associated with disease. The following publications have been ascertained in the context of this evaluation (PMID: 9731527, 16100712). ClinVar contains an entry for this variant (Variation ID: 6669). Based on the evidence outlined above, the variant was classified as pathogenic.

Baylor Genetics
Classification: Pathogenic for Miyoshi muscular dystrophy 1. Last evaluated: 2024-02-14. Review status: criteria provided, single submitter. Criteria: ACMG Guidelines, 2015. Collection method: clinical testing. Allele origin: unknown.

Fulgent Genetics
Classification: Pathogenic for Autosomal recessive limb-girdle muscular dystrophy type 2B; Miyoshi muscular dystrophy 1; Distal myopathy with anterior tibial onset. Last evaluated: 2024-01-06. Review status: criteria provided, single submitter. Criteria: ACMG Guidelines, 2015. Collection method: clinical testing. Allele origin: germline.

Revvity Omics, Revvity
Classification: Pathogenic. Last evaluated: 2020-02-27. Review status: criteria provided, single submitter. Criteria: ACMG Guidelines, 2015. Collection method: clinical testing. Allele origin: germline.

Eurofins Ntd Llc (ga)
Classification: Pathogenic. Last evaluated: 2016-03-24. Review status: criteria provided, single submitter. Criteria: EGL Classification Definitions 2015. Collection method: clinical testing. Allele origin: germline. Observed: 2 variant alleles, 1 heterozygote, 1 homozygote.

OMIM
Classification: Pathogenic for MUSCULAR DYSTROPHY, LIMB-GIRDLE, AUTOSOMAL RECESSIVE 2. Last evaluated: 2006-12-01. Review status: no assertion criteria provided. Collection method: literature only. Allele origin: germline. Not counted in ClinVar's aggregate classification.

Literature cited by the submitters: PubMed 17698709 (cited by Labcorp Genetics (formerly Invitae), Labcorp); PubMed 20301480 (cited by Labcorp Genetics (formerly Invitae), Labcorp); PubMed 9731527 (cited by 3 submitters); PubMed 10825360 (cited by Labcorp Genetics (formerly Invitae), Labcorp and Natera, Inc.); PubMed 18853459 (cited by Labcorp Genetics (formerly Invitae), Labcorp); PubMed 16100712 (cited by Women's Health and Genetics/Laboratory Corporation of America, LabCorp); PubMed 16996541 (cited by OMIM); PubMed 16606933 (cited by OMIM).

NM_001130987.2(DYSF):c.4989_4993delinsCCCC (p.Glu1663fs)

Gene: DYSF (dysferlin; plus strand). Cytogenetic location: 2p13.2.
Variant type: Indel.
Coding change: c.4989_4993delinsCCCC on transcript NM_001130987.2 (MANE Select); coding-DNA positions 4989 to 4993, GCCCG replaced by CCCC.
Protein change: p.Glu1663fs; shifts the reading frame from glutamic acid 1663.
Molecular consequence: frameshift variant.
Genome position (GRCh38, 1-based): chr2:71,660,637-71,660,641, GCCCG replaced by CCCC. VCF-style: chr2-71660637-GCCCG-CCCC. GRCh37 (hg19) VCF-style: chr2-71887767-GCCCG-CCCC.
Other names: c.4872_4876delGCCCGinsCCCC (NM_003494.3); c.4875_4879delinsCCCC, p.Glu1625fs (NM_001130455.2); c.4830_4834delinsCCCC, p.Glu1610fs (NM_001130976.2); c.4893_4897delinsCCCC, p.Glu1631fs (NM_001130977.2); c.4935_4939delinsCCCC, p.Glu1645fs (NM_001130978.2); c.4965_4969delinsCCCC, p.Glu1655fs (NM_001130979.2); c.4923_4927delinsCCCC, p.Glu1641fs (NM_001130980.2); c.4986_4990delinsCCCC, p.Glu1662fs (NM_001130981.2); and 6 more; short protein forms E1610fs, E1645fs, E1646fs, E1655fs, E1656fs, E1663fs, E1625fs, E1631fs.
Identifiers: ClinVar variation 6669 (VCV000006669.20), dbSNP rs786200896, ClinGen allele CA253904.
Genomic context (GRCh38, chr2:71,660,637, plus strand): 5'-GATCTCCATAGGGAAGAAATCAGTGAGTGACCAGGATAACTACATCCCCTGCACGCTGGA[GCCCG>CCCC]TATTTGGAAAGTAAATTGGGGCATCTTGGGTCTTGGGGTGGAGGAGCCAGACAGGATAAC-3'